The following is an entry in ClinVar:

NM_000257.4(MYH7):c.2114G>T (p.Cys705Phe)

Gene: MYH7 (myosin heavy chain 7; minus strand). Cytogenetic location: 14q11.2.
Variant type: single nucleotide variant.
Coding change: c.2114G>T on transcript NM_000257.4 (MANE Select); coding-DNA position 2114, G replaced by T.
Protein change: p.Cys705Phe; replaces cysteine 705 with phenylalanine.
Molecular consequence: missense variant.
Genome position (GRCh38, 1-based): chr14:23,426,012, C>A on the plus strand (G>T on the coding strand, the complement: MYH7 is on the minus strand). VCF-style: chr14-23426012-C-A. GRCh37 (hg19) VCF-style: chr14-23895221-C-A.
Other names: c.2114G>T, p.Cys705Phe (NM_001407004.1); short protein forms C705F.
Identifiers: ClinVar variation 3636037 (VCV003636037.2).
Genomic context (GRCh38, chr14:23,426,012, plus strand): 5'-CCTCATACCCACCTCTGCCGGAAGTCCCCGTAGAGGATGCGGTTGGGGAAGCCTTTCCTG[C>A]AGATGCGGATGCCCTCCAGCACACCATTGCAGCGCAGCTGGTGCATGACCAGGGGGTTGT-3'
Protein context (NP_000248.2, residues 695-715): CNGVLEGIRI[Cys705Phe]RKGFPNRILY

ClinVar aggregate classification (germline): Uncertain significance (1 of 4 stars; one submission).

Conditions:
Hypertrophic cardiomyopathy. Also called: HYPERTROPHIC MYOCARDIOPATHY. Identifiers: Orphanet 217569, MedGen C0007194, MeSH D002312, MONDO:0005045, HP:0001639.

Submission:

Labcorp Genetics (formerly Invitae), Labcorp
Classification: Uncertain significance for Hypertrophic cardiomyopathy. Last evaluated: 2024-04-06. Review status: criteria provided, single submitter. Criteria: Invitae Variant Classification Sherloc (09022015). Collection method: clinical testing. Allele origin: germline.
Comment: This sequence change replaces cysteine, which is neutral and slightly polar, with phenylalanine, which is neutral and non-polar, at codon 705 of the MYH7 protein (p.Cys705Phe). This variant is not present in population databases (gnomAD no frequency). This variant has not been reported in the literature in individuals affected with MYH7-related conditions. Advanced modeling of protein sequence and biophysical properties (such as structural, functional, and spatial information, amino acid conservation, physicochemical variation, residue mobility, and thermodynamic stability) performed at Invitae indicates that this missense variant is expected to disrupt MYH7 protein function with a positive predictive value of 95%. This variant disrupts the p.Cys705 amino acid residue in MYH7. Other variant(s) that disrupt this residue have been determined to be pathogenic (PMID: 33144682; Invitae). This suggests that this residue is clinically significant, and that variants that disrupt this residue are likely to be disease-causing. In summary, the available evidence is currently insufficient to determine the role of this variant in disease. Therefore, it has been classified as a Variant of Uncertain Significance.

Literature cited by the submitters: PubMed 33144682.